The following is an entry in ClinVar:

ClinVar aggregate classification (germline): Uncertain significance (1 of 4 stars; one submission).

Submission:

Labcorp Genetics (formerly Invitae), Labcorp
Classification: Uncertain significance. Last evaluated: 2021-05-31. Review status: criteria provided, single submitter. Criteria: Invitae Variant Classification Sherloc (09022015). Collection method: clinical testing. Allele origin: germline.
Comment: Experimental studies and prediction algorithms are not available or were not evaluated, and the functional significance of this variant is currently unknown. This variant has not been reported in the literature in individuals with TNNI3K-related conditions. This variant results in a copy number gain of the genomic region encompassing exon(s) 21-25 of the TNNI3K gene. The 5' boundary is likely confined to intron 20. The 3' end of this event is unknown as it extends beyond the assayed region for this gene and therefore may encompass additional genes. As the precise location of this event is unknown, it may be in tandem or it may be located elsewhere in the genome. In summary, the available evidence is currently insufficient to determine the role of this variant in disease. Therefore, it has been classified as a Variant of Uncertain Significance.

NC_000001.10:g.(?_74929105)_(75009666_?)dup

Genes: FPGT-TNNI3K (FPGT-TNNI3K readthrough; plus strand), TNNI3K (TNNI3 interacting kinase; plus strand). Cytogenetic location: 1p31.1.
Variant type: Duplication.
Identifiers: ClinVar variation 1513578 (VCV001513578.4).